The following is an entry in ClinVar:

ClinVar aggregate classification (germline): Uncertain significance (1 of 4 stars; one submission).

Allele frequency attached by ClinVar (database versions not stated): gnomAD exomes below 0.00001; TOPMed below 0.00001.
gnomAD v4.1: 1 of 1,579,752 alleles (0.000063%); highest among the groups gnomAD compares: Admixed American, 0.0018%; no homozygotes.

Submission:

Labcorp Genetics (formerly Invitae), Labcorp
Classification: Uncertain significance. Last evaluated: 2022-09-29. Review status: criteria provided, single submitter. Criteria: Invitae Variant Classification Sherloc (09022015). Collection method: clinical testing. Allele origin: germline.
Comment: In summary, the available evidence is currently insufficient to determine the role of this variant in disease. Therefore, it has been classified as a Variant of Uncertain Significance. Algorithms developed to predict the effect of missense changes on protein structure and function output the following: SIFT: "Tolerated"; PolyPhen-2: "Benign"; Align-GVGD: "Class C0". The lysine amino acid residue is found in multiple mammalian species, which suggests that this missense change does not adversely affect protein function. This variant has not been reported in the literature in individuals affected with ALPK3-related conditions. The frequency data for this variant in the population databases is considered unreliable, as metrics indicate poor data quality at this position in the gnomAD database. This sequence change replaces arginine, which is basic and polar, with lysine, which is basic and polar, at codon 1388 of the ALPK3 protein (p.Arg1388Lys).

NM_020778.5(ALPK3):c.3557G>A (p.Arg1186Lys)

Gene: ALPK3 (alpha kinase 3; plus strand). Cytogenetic location: 15q25.3.
Variant type: single nucleotide variant.
Coding change: c.3557G>A on transcript NM_020778.5 (MANE Select); coding-DNA position 3557, G replaced by A.
Protein change: p.Arg1186Lys; replaces arginine 1186 with lysine.
Molecular consequence: missense variant.
Genome position (GRCh38, 1-based): chr15:84,858,295, G>A. VCF-style: chr15-84858295-G-A. GRCh37 (hg19) VCF-style: chr15-85401526-G-A.
Other names: short protein forms R1186K.
Identifiers: ClinVar variation 1975057 (VCV001975057.5), dbSNP rs1181836929, ClinGen allele CA393360504.